The following is an entry in ClinVar:

ClinVar aggregate classification (germline): Uncertain significance (1 of 4 stars; one submission).

Conditions:
RASopathy. Also called: rasopathies; Noonan spectrum disorder. Identifiers: Orphanet 536391, MedGen C5555857, MONDO:0021060.

Submission:

Labcorp Genetics (formerly Invitae), Labcorp
Classification: Uncertain significance for RASopathy. Last evaluated: 2024-07-02. Review status: criteria provided, single submitter. Criteria: Invitae Variant Classification Sherloc (09022015). Collection method: clinical testing. Allele origin: germline.
Comment: This sequence change creates a premature translational stop signal (p.Ser77Phefs*6) in the SOS1 gene. It is expected to result in an absent or disrupted protein product. However, the current clinical and genetic evidence is not sufficient to establish whether loss-of-function variants in SOS1 cause disease. This variant is not present in population databases (gnomAD no frequency). This variant has not been reported in the literature in individuals affected with SOS1-related conditions. In summary, the available evidence is currently insufficient to determine the role of this variant in disease. Therefore, it has been classified as a Variant of Uncertain Significance.

NM_005633.4(SOS1):c.228_229del (p.Ser77fs)

Gene: SOS1 (SOS Ras/Rac guanine nucleotide exchange factor 1; minus strand). Cytogenetic location: 2p22.1.
Variant type: Deletion.
Coding change: c.228_229del on transcript NM_005633.4 (MANE Select); coding-DNA positions 228 to 229, 2 bases deleted (AA; older notation c.228_229delAA).
Protein change: p.Ser77fs; shifts the reading frame from serine 77.
Molecular consequence: frameshift variant.
Genome position (GRCh38, 1-based): chr2:39,058,789-39,058,790, TT deleted on the plus strand (AA on the coding strand, the reverse complement: SOS1 is on the minus strand); deleting any 2 consecutive bases within chr2:39,058,789-39,058,794 gives the same sequence; the c. name uses the placement nearest the transcript's 3' end. VCF-style (leftmost placement, unchanged base first): chr2-39058788-CTT-C. GRCh37 (hg19) VCF-style: chr2-39285929-CTT-C.
Other names: c.207_208del, p.Ser70fs (NM_001382394.1); c.228_229del, p.Ser77fs (NM_001382395.1); short protein forms S77fs, S70fs.
Identifiers: ClinVar variation 2832451 (VCV002832451.3), dbSNP rs2465361746, ClinGen allele CA2739274317.
Genomic context (GRCh38, chr2:39,058,788, plus strand): 5'-CTCTTTTCAATAGCTGATTGGGCATCAGCTATTGCCCATTTATCAATTGGATGAGGGAAA[CTT>C]TTTTGAACACGTTCCTTGGAAAATAGGAAAATAACAACTAAGCAAAAAATATATTAAATA-3'